The following is an entry in ClinVar:

ClinVar aggregate classification (germline): Pathogenic/Likely pathogenic. Review status: criteria provided, multiple submitters, no conflicts (2 of 4 stars). 2 submissions from 2 submitters: Pathogenic (1); Likely pathogenic (1). Last evaluated 2025-10-02.

Conditions:
Basal laminar drusen. Also called: DRUSEN OF BRUCH MEMBRANE; DRUSEN, CUTICULAR; DRUSEN, EARLY ADULT-ONSET, GROUPED. Identifiers: Orphanet 75376, MedGen C0730295, MONDO:0007472, OMIM 126700.
CFH-related disorder. Also called: CFH-related condition; CFH-related disorders.

gnomAD v4.1: 4 of 1,584,800 alleles (0.00025%); highest among the groups gnomAD compares: African/African-American, 0.0013%; no homozygotes.

Submissions (2):

Genomenon, Inc
Classification: Pathogenic for Basal laminar drusen. Last evaluated: 2025-10-02. Review status: criteria provided, single submitter. Criteria: Genomenon Sequence Variant Interpretation Standards - Updated. Collection method: curation. Allele origin: germline. Affected: yes.
Comment: CFH c.350+1G>T is a canonical splice variant located in the donor splice region of intron 3. It is predicted to affect mRNA splicing, leading to a deleterious effect on the CFH protein. This variant has been observed in at least one proband affected with basal laminar drusen (PMID:30905644). The variant was found to segregate with disease in at least one affected family (PMID:30905644). It is absent or not present at a significant frequency in gnomAD. In conclusion, we classify CFH c.350+1G>T as a pathogenic variant.

Blueprint Genetics
Classification: Likely pathogenic for CFH-related disorders. Last evaluated: 2024-03-19. Review status: criteria provided, single submitter. Criteria: ACMG Guidelines, 2015. Collection method: clinical testing. Allele origin: germline. Affected: yes. Observed: 1 variant allele.

Literature cited by the submitters: PubMed 30905644 (cited by Genomenon, Inc).

NM_000186.4(CFH):c.350+1G>T

Gene: CFH (complement factor H; plus strand). Cytogenetic location: 1q31.3.
Variant type: single nucleotide variant.
Coding change: c.350+1G>T on transcript NM_000186.4 (MANE Select); the canonical splice donor site of the intron after coding-DNA position 350, G replaced by T.
Molecular consequence: splice donor variant.
Genome position (GRCh38, 1-based): chr1:196,673,963, G>T. VCF-style: chr1-196673963-G-T. GRCh37 (hg19) VCF-style: chr1-196643093-G-T.
Other names: c.350+1G>T (NM_001014975.3).
Identifiers: ClinVar variation 4291656 (VCV004291656.2).